The following is an entry in ClinVar:

ClinVar aggregate classification (germline): Pathogenic/Likely pathogenic. Review status: criteria provided, multiple submitters, no conflicts (2 of 4 stars). 9 submissions from 8 submitters: Pathogenic (5); Likely pathogenic (4). Last evaluated 2025-09-30.

Conditions:
Hereditary nonpolyposis colon cancer (HNPCC). Also called: Hereditary nonpolyposis colorectal cancer; Familial nonpolyposis colon cancer; Hereditary Nonpolyposis Colorectal Cancer Syndrome. Identifiers: Orphanet 443909, MedGen C1333990, MONDO:0018630. Disease mechanism: loss of function.
Hereditary nonpolyposis colorectal neoplasms. Identifiers: MedGen C0009405, MeSH D003123.
Hereditary cancer-predisposing syndrome. Also called: Neoplastic Syndromes, Hereditary; Hereditary neoplastic syndrome; Hereditary Cancer Syndrome; Tumor predisposition. Identifiers: Orphanet 140162, MedGen C0027672, MeSH D009386, MONDO:0015356.
Lynch syndrome. Identifiers: Orphanet 144, MedGen C4552100, MONDO:0005835. Disease mechanism: loss of function.
Lynch syndrome 5 (LYNCH5). Also called: Colorectal cancer, hereditary nonpolyposis, type 5; Hereditary non-polyposis colorectal cancer, type 5. Identifiers: Orphanet 144, MedGen C1833477, MONDO:0013710, OMIM 614350. Disease mechanism: loss of function.
Familial cancer of breast. Also called: BREAST CANCER, FAMILIAL; Hereditary breast cancer; hereditary breast carcinoma. Identifiers: Orphanet 227535, MedGen C0346153, MONDO:0016419, OMIM 114480. Disease mechanism: loss of function.

Submissions (9):

Dasa
Classification: Likely pathogenic. Last evaluated: 2025-09-30. Review status: criteria provided, single submitter. Criteria: DASA Assertion Criteria. Collection method: clinical testing. Allele origin: germline.
Comment: NM_000179.3(MSH6):c.2056_2060delinsCTTCTACCTCAAAAA (p.Gly686Leufs*15) is a frameshift variant in MSH6 predicted to alter the reading frame and introduce a premature termination codon and is predicted to result in an absent or altered protein product. Loss of function is an established disease mechanism for MSH6 (PMID: 9354786; PMID: 11709755; PMID: 14974087). Also, this variant is absent from population databases. Based on the currently available evidence, this variant is classified as likely pathogenic.

Genetic Services Laboratory, University of Chicago
Classification: Likely pathogenic. Last evaluated: 2025-09-26. Review status: criteria provided, single submitter. Criteria: ACMG Guidelines, 2015. Collection method: clinical testing. Allele origin: germline.
Comment: The c.2056_2060delinsCTTCTACCTCAAAAA variant: Results in a deletion and insertion of 15 base pairs in exon 4. Results in an amino acid frameshift and creates a premature stop codon 14 amino acids downstream of the change, p.Gly686Leufs*15. Predicted to result in an abnormal transcript, which may be degraded, or may lead to the production of a truncated MSH6 protein with potentially abnormal function. Has not been described in the literature in individuals with MSH6-related disorders. However, truncating variants in MSH6 are known to be pathogenic (PMID: 24362816, 18269114). Has not been described in population databases such as gnomAD v4. ClinVar contains an entry for this variant (Variation ID: 237145). Collectively this evidence indicates that this variant is likely pathogenic; however functional studies have not been performed to prove this conclusively.

Ambry Genetics
Classification: Pathogenic for Hereditary cancer-predisposing syndrome. Last evaluated: 2025-04-04. Review status: criteria provided, single submitter. Criteria: Ambry Variant Classification Scheme 2023. Collection method: clinical testing. Allele origin: germline.
Comment: The c.2056_2060delGGTTGins15 pathogenic mutation, located in coding exon 4 of the MSH6 gene, results from the deletion of 5 nucleotides and insertion of 15 nucleotides (CTTCTACCTCAAAAA) causing a translational frameshift with a predicted alternate stop codon (p.G686Lfs*15). This variant is considered to be rare based on population cohorts in the Genome Aggregation Database (gnomAD). This alteration is expected to result in loss of function by premature protein truncation or nonsense-mediated mRNA decay. As such, this alteration is interpreted as a disease-causing mutation.

Revvity Omics, Revvity
Classification: Likely pathogenic. Last evaluated: 2024-12-06. Review status: criteria provided, single submitter. Criteria: ACMG Guidelines, 2015. Collection method: clinical testing. Allele origin: germline.

Labcorp Genetics (formerly Invitae), Labcorp
Classification: Pathogenic for Hereditary nonpolyposis colorectal neoplasms. Last evaluated: 2024-07-12. Review status: criteria provided, single submitter. Criteria: Invitae Variant Classification Sherloc (09022015). Collection method: clinical testing. Allele origin: germline.
Comment: This sequence change creates a premature translational stop signal (p.Gly686Leufs*15) in the MSH6 gene. It is expected to result in an absent or disrupted protein product. Loss-of-function variants in MSH6 are known to be pathogenic (PMID: 18269114, 24362816). Information on the frequency of this variant in the gnomAD database is not available, as this variant may be reported differently in the database. This variant has not been reported in the literature in individuals affected with MSH6-related conditions. For these reasons, this variant has been classified as Pathogenic.

Myriad Genetics, Inc.
Classification: Pathogenic for Lynch syndrome 5. Last evaluated: 2023-08-16. Review status: criteria provided, single submitter. Criteria: Myriad Autosomal Dominant, Autosomal Recessive and X-Linked Classification Criteria (2023). Collection method: clinical testing. Allele origin: unknown.
Comment: This variant is considered pathogenic. This variant creates a frameshift predicted to result in premature protein truncation.

Department of Pathology and Laboratory Medicine, Sinai Health System
Classification: Pathogenic for hereditary breast carcinoma. Last evaluated: 2021-03-16. Review status: criteria provided, single submitter. Criteria: ACMG Guidelines, 2015. Collection method: clinical testing. Allele origin: germline.

Women's Health and Genetics/Laboratory Corporation of America, LabCorp
Classification: Likely pathogenic for Hereditary nonpolyposis colon cancer. Last evaluated: 2021-03-16. Review status: criteria provided, single submitter. Criteria: LabCorp Variant Classification Summary - May 2015. Collection method: clinical testing. Allele origin: germline.
Comment: Variant summary: MSH6 c.2056_2060delins15 (p.Gly686LeufsX15) results in a premature termination codon, predicted to cause a truncation of the encoded protein or absence of the protein due to nonsense mediated decay, which are commonly known mechanisms for disease. Truncations downstream of this position have been classified as pathogenic by our laboratory (examples: c.2150_2153delTCAG p.Val717AlafsX18; c.2230dupG p.Glu744GlyfsX12). The variant was absent in 250560 control chromosomes. To our knowledge, no occurrence of c.2056_2060delins15 in individuals affected with Lynch Syndrome and no experimental evidence demonstrating its impact on protein function have been reported. One ClinVar submitter (evaluation after 2014) cites the variant as pathogenic. Based on the evidence outlined above, the variant was classified as likely pathogenic.

Labcorp Genetics (formerly Invitae), Labcorp
Classification: Pathogenic for Hereditary nonpolyposis colorectal neoplasms. Last evaluated: 2017-01-04. Review status: criteria provided, single submitter. Criteria: Invitae Variant Classification Sherloc (09022015). Collection method: clinical testing. Allele origin: germline.
Comment: This sequence change deletes 5 nucleotides and inserts 15 nucleotides in exon 4 of the MSH6 mRNA (c.2056_2060delinsCTTCTACCTCAAAAA), causing a frameshift at codon 686. This creates a premature translational stop signal (p.Gly686Leufs*15) and is expected to result in an absent or disrupted protein product. While this particular variant has not been reported in the literature, loss-of-function variants in MSH6 are known to be pathogenic (PMID: 24362816, 18269114). For these reasons, this variant has been classified as Pathogenic.

Literature cited by the submitters: PubMed 9354786 (cited by Dasa); PubMed 11709755 (cited by Dasa); PubMed 14974087 (cited by Dasa); PubMed 18269114 (cited by Labcorp Genetics (formerly Invitae), Labcorp); PubMed 24362816 (cited by Labcorp Genetics (formerly Invitae), Labcorp).

NM_000179.3(MSH6):c.2056_2060delinsCTTCTACCTCAAAAA (p.Gly686fs)

Gene: MSH6 (mutS homolog 6; plus strand). Cytogenetic location: 2p16.3.
Variant type: Indel.
Coding change: c.2056_2060delinsCTTCTACCTCAAAAA on transcript NM_000179.3 (MANE Select); coding-DNA positions 2056 to 2060, GGTTG replaced by CTTCTACCTCAAAAA.
Protein change: p.Gly686fs; shifts the reading frame from glycine 686.
Molecular consequence: frameshift variant.
Genome position (GRCh38, 1-based): chr2:47,800,039-47,800,043, GGTTG replaced by CTTCTACCTCAAAAA. VCF-style: chr2-47800039-GGTTG-CTTCTACCTCAAAAA. GRCh37 (hg19) VCF-style: chr2-48027178-GGTTG-CTTCTACCTCAAAAA.
Other names: c.2056_2060delGGTTGinsCTTCTACCTCAAAAA (NM_000179.2); c.1666_1670delinsCTTCTACCTCAAAAA, p.Gly556fs (NM_001281492.2); c.1150_1154delinsCTTCTACCTCAAAAA, p.Gly384fs (NM_001281493.2, NM_001281494.2); short protein forms G556fs, G384fs, G686fs.
Identifiers: ClinVar variation 237145 (VCV000237145.15), dbSNP rs878853711, ClinGen allele CA10582058.